The following is an entry in ClinVar:

NM_001171.6(ABCC6):c.2609G>T (p.Ser870Ile)

Gene: ABCC6 (ATP binding cassette subfamily C member 6; minus strand). Cytogenetic location: 16p13.11.
Variant type: single nucleotide variant.
Coding change: c.2609G>T on transcript NM_001171.6 (MANE Select); coding-DNA position 2609, G replaced by T.
Protein change: p.Ser870Ile; replaces serine 870 with isoleucine.
Molecular consequence: missense variant. On other transcripts: non-coding transcript variant (1).
Genome position (GRCh38, 1-based): chr16:16,175,968, C>A on the plus strand (G>T on the coding strand, the complement: ABCC6 is on the minus strand). VCF-style: chr16-16175968-C-A. GRCh37 (hg19) VCF-style: chr16-16269825-C-A.
Other names: c.2267G>T, p.Ser756Ile (NM_001351800.1); short protein forms S870I, S756I.
Identifiers: ClinVar variation 1482848 (VCV001482848.8), dbSNP rs754624352, ClinGen allele CA7925853.
Genomic context (GRCh38, chr16:16,175,968, plus strand): 5'-CACCTCTCGCGTCTAAGCTCGGGCCTCCTGCCTGCAGAGGTGCCTCTGGGGTCCTTGGTG[C>A]TGGTCCCAGGTTCTGTTTCTGCAAGGTCAAGAGAGTCCTGTCACGCAACACGGCCCAGAT-3'
Protein context (NP_001162.5, residues 860-880): RGEGETEPGT[Ser870Ile]TKDPRGTSAG

ClinVar aggregate classification (germline): Uncertain significance (1 of 4 stars; one submission).

Allele frequency attached by ClinVar (database versions not stated): gnomAD exomes 0.00001 and 0.00002; ExAC 0.00002.
gnomAD v4.1: 17 of 1,614,132 alleles (0.0011%); highest among the groups gnomAD compares: South Asian, 0.016%; no homozygotes.

Submission:

Labcorp Genetics (formerly Invitae), Labcorp
Classification: Uncertain significance. Last evaluated: 2024-08-30. Review status: criteria provided, single submitter. Criteria: Invitae Variant Classification Sherloc (09022015). Collection method: clinical testing. Allele origin: germline.
Comment: This sequence change replaces serine, which is neutral and polar, with isoleucine, which is neutral and non-polar, at codon 870 of the ABCC6 protein (p.Ser870Ile). This variant is present in population databases (rs754624352, gnomAD 0.02%). This variant has not been reported in the literature in individuals affected with ABCC6-related conditions. ClinVar contains an entry for this variant (Variation ID: 1482848). Invitae Evidence Modeling of protein sequence and biophysical properties (such as structural, functional, and spatial information, amino acid conservation, physicochemical variation, residue mobility, and thermodynamic stability) indicates that this missense variant is not expected to disrupt ABCC6 protein function with a negative predictive value of 80%. In summary, the available evidence is currently insufficient to determine the role of this variant in disease. Therefore, it has been classified as a Variant of Uncertain Significance.